The following is an entry in ClinVar:

ClinVar aggregate classification (germline): Likely pathogenic (1 of 4 stars; one submission).

Conditions:
Autosomal recessive limb-girdle muscular dystrophy type 2J (LGMDR10). Also called: Limb-girdle muscular dystrophy, type 2J; MUSCULAR DYSTROPHY, LIMB-GIRDLE, AUTOSOMAL RECESSIVE 10. Identifiers: Orphanet 140922, MedGen C1837342, MONDO:0012127, OMIM 608807.
Dilated cardiomyopathy 1G (CMD1G). Identifiers: Orphanet 154, MedGen C1858763, MONDO:0011400, OMIM 604145.

Submission:

Labcorp Genetics (formerly Invitae), Labcorp
Classification: Likely pathogenic for Dilated cardiomyopathy 1G; Autosomal recessive limb-girdle muscular dystrophy type 2J. Last evaluated: 2023-12-06. Review status: criteria provided, single submitter. Criteria: Invitae Variant Classification Sherloc (09022015). Collection method: clinical testing. Allele origin: germline.
Comment: This sequence change creates a premature translational stop signal (p.Glu33902*) in the TTN gene. While this is not anticipated to result in nonsense mediated decay, it is expected to create a truncated TTN protein. This variant is not present in population databases (gnomAD no frequency). This variant has not been reported in the literature in individuals affected with TTN-related conditions. ClinVar contains an entry for this variant (Variation ID: 2024943). This variant is located in the M band of TTN (PMID: 25589632). Truncating variants in this region have been previously reported in individuals affected with autosomal recessive myopathy and muscular dystrophy (PMID: 18948003, 23975875, 24395473). Truncating variants in this region have also been identified in individuals affected with autosomal dominant dilated cardiomyopathy and/or cardio-related conditions (PMID: 27869827, 32964742). In summary, the currently available evidence indicates that the variant is pathogenic, but additional data are needed to prove that conclusively. Therefore, this variant has been classified as Likely Pathogenic.

Literature cited by the submitters: PubMed 25589632; PubMed 18948003; PubMed 23975875; PubMed 24395473; PubMed 27869827; PubMed 32964742.

NM_001267550.2(TTN):c.101704G>T (p.Glu33902Ter)

Genes: TTN (titin; minus strand), TTN-AS1 (TTN antisense RNA 1; plus strand). Cytogenetic location: 2q31.2.
Variant type: single nucleotide variant.
Coding change: c.101704G>T on transcript NM_001267550.2 (MANE Select); coding-DNA position 101704, G replaced by T.
Protein change: p.Glu33902Ter; replaces glutamic acid 33902 with a stop codon.
Molecular consequence: nonsense.
Genome position (GRCh38, 1-based): chr2:178,534,911, C>A on the plus strand (G>T on the coding strand, the complement: TTN is on the minus strand). VCF-style: chr2-178534911-C-A. GRCh37 (hg19) VCF-style: chr2-179399638-C-A.
Other names: c.96781G>T, p.Glu32261Ter (NM_001256850.1); c.74509G>T, p.Glu24837Ter (NM_003319.4); c.94000G>T, p.Glu31334Ter (NM_133378.4); c.74884G>T, p.Glu24962Ter (NM_133432.3); c.75085G>T, p.Glu25029Ter (NM_133437.4); short protein forms E31334*, E32261*, E24837*, E24962*, E25029*, E33902*.
Identifiers: ClinVar variation 2024943 (VCV002024943.4), dbSNP rs762592218, ClinGen allele CA349419837.